The following is an entry in ClinVar:

NM_000497.4(CYP11B1):c.1151G>T (p.Arg384Leu)

Genes: CYP11B1 (cytochrome P450 family 11 subfamily B member 1; minus strand), LOC106799833 (CYP11B1 recombination region; plus strand). Cytogenetic location: 8q24.3.
Variant type: single nucleotide variant.
Coding change: c.1151G>T on transcript NM_000497.4 (MANE Select); coding-DNA position 1151, G replaced by T.
Protein change: p.Arg384Leu; replaces arginine 384 with leucine.
Molecular consequence: missense variant.
Genome position (GRCh38, 1-based): chr8:142,875,283, C>A on the plus strand (G>T on the coding strand, the complement: CYP11B1 is on the minus strand). VCF-style: chr8-142875283-C-A. GRCh37 (hg19) VCF-style: chr8-143956699-C-A.
Other names: c.1151G>T, p.Arg384Leu (NM_001026213.1); short protein forms R384L.
Identifiers: ClinVar variation 1516454 (VCV001516454.8), dbSNP rs764598023, ClinGen allele CA372392511.

ClinVar aggregate classification (germline): Likely pathogenic (1 of 4 stars; one submission).

Submission:

Labcorp Genetics (formerly Invitae), Labcorp
Classification: Likely pathogenic. Last evaluated: 2021-01-19. Review status: criteria provided, single submitter. Criteria: Invitae Variant Classification Sherloc (09022015). Collection method: clinical testing. Allele origin: germline.
Comment: This variant has not been reported in the literature in individuals with CYP11B1-related conditions. Advanced modeling of protein sequence and biophysical properties (such as structural, functional, and spatial information, amino acid conservation, physicochemical variation, residue mobility, and thermodynamic stability) performed at Invitae indicates that this missense variant is expected to disrupt CYP11B1 protein function. This variant disrupts the p.Arg384 amino acid residue in CYP11B1. Other variant(s) that disrupt this residue have been determined to be pathogenic (PMID: 8506298, 26956189, 15751602, 20089618). This suggests that this residue is clinically significant, and that variants that disrupt this residue are likely to be disease-causing. In summary, the currently available evidence indicates that the variant is pathogenic, but additional data are needed to prove that conclusively. Therefore, this variant has been classified as Likely Pathogenic. This variant is not present in population databases (ExAC no frequency). This sequence change replaces arginine with leucine at codon 384 of the CYP11B1 protein (p.Arg384Leu). The arginine residue is highly conserved and there is a moderate physicochemical difference between arginine and leucine.

Literature cited by the submitters: PubMed 8506298; PubMed 26956189; PubMed 15751602; PubMed 20089618.